The following is an entry in ClinVar:

NM_000548.5(TSC2):c.4753A>G (p.Lys1585Glu)

Gene: TSC2 (TSC complex subunit 2; plus strand). Cytogenetic location: 16p13.3.
Variant type: single nucleotide variant.
Coding change: c.4753A>G on transcript NM_000548.5 (MANE Select); coding-DNA position 4753, A replaced by G.
Protein change: p.Lys1585Glu; replaces lysine 1585 with glutamic acid.
Molecular consequence: missense variant. On other transcripts: non-coding transcript variant (5).
Genome position (GRCh38, 1-based): chr16:2,086,283, A>G. VCF-style: chr16-2086283-A-G. GRCh37 (hg19) VCF-style: chr16-2136284-A-G.
Other names: c.4552A>G, p.Lys1518Glu (NM_001077183.3); c.4684A>G, p.Lys1562Glu (NM_001114382.3); c.4444A>G, p.Lys1482Glu (NM_001318827.2); c.4408A>G, p.Lys1470Glu (NM_001318829.2); c.4021A>G, p.Lys1341Glu (NM_001318831.2); c.4585A>G, p.Lys1529Glu (NM_001318832.2); c.4555A>G, p.Lys1519Glu (NM_001363528.2); c.4621A>G, p.Lys1541Glu (NM_001370404.1); and 26 more; short protein forms K1385E, K1515E, K1519E, K1542E, K1071E, K1318E, K1361E, K1362E.
Identifiers: ClinVar variation 2808923 (VCV002808923.5), dbSNP rs2151573030, ClinGen allele CA394307766.
Genomic context (GRCh38, chr16:2,086,283, plus strand): 5'-GAGCATGGCTCCTACAGGTACACGGAGTTCCTGACGGGCCTGGGCCGGCTCATCGAGCTG[A>G]AGGACTGCCAGCCGGACAAGGTGTACCTGGGAGGCCTGGACGTGTGTGGTGAGGACGGCC-3'
Protein context (NP_000539.2, residues 1575-1595): LTGLGRLIEL[Lys1585Glu]DCQPDKVYLG

ClinVar aggregate classification (germline): Uncertain significance. Review status: criteria provided, multiple submitters, no conflicts (2 of 4 stars). 3 submissions from 3 submitters: Uncertain significance (3). Last evaluated 2024-02-02.

Conditions:
Tuberous sclerosis syndrome (TSC). Also called: Tuberous sclerosis; Tuberous Sclerosis Complex. Identifiers: Orphanet 805, MedGen C0041341, MONDO:0001734.
Hereditary cancer-predisposing syndrome. Also called: Hereditary Cancer Syndrome; Hereditary neoplastic syndrome; Neoplastic Syndromes, Hereditary; Tumor predisposition. Identifiers: Orphanet 140162, MedGen C0027672, MeSH D009386, MONDO:0015356.
Tuberous sclerosis 2 (TSC2). Identifiers: Orphanet 805, MedGen C1860707, MONDO:0013199, OMIM 613254.

Submissions (3):

Ambry Genetics
Classification: Uncertain significance for Hereditary cancer-predisposing syndrome. Last evaluated: 2024-02-02. Review status: criteria provided, single submitter. Criteria: Ambry Variant Classification Scheme 2023. Collection method: clinical testing. Allele origin: germline.
Comment: The p.K1585E variant (also known as c.4753A>G), located in coding exon 36 of the TSC2 gene, results from an A to G substitution at nucleotide position 4753. The lysine at codon 1585 is replaced by glutamic acid, an amino acid with similar properties. This amino acid position is conserved. In addition, this alteration is predicted to be deleterious by in silico analysis. Based on the available evidence, the clinical significance of this alteration remains unclear.

All of Us Research Program, National Institutes of Health
Classification: Uncertain significance for Tuberous sclerosis syndrome. Last evaluated: 2023-08-15. Review status: criteria provided, single submitter. Criteria: ACMG Guidelines, 2015. Collection method: clinical testing. Allele origin: germline. Inheritance: Autosomal dominant inheritance. Observed: 1 variant allele, 1 heterozygote.
Comment: This missense variant replaces lysine with glutamic acid at codon 1585 of the TSC2 protein. Computational prediction suggests that this variant may have deleterious impact on protein structure and function (internally defined REVEL score threshold >= 0.7, PMID: 27666373). To our knowledge, functional studies have not been reported for this variant. This variant has not been reported in individuals affected with TSC2-related disorders in the literature. This variant has not been identified in the general population by the Genome Aggregation Database (gnomAD). The available evidence is insufficient to determine the role of this variant in disease conclusively. Therefore, this variant is classified as a Variant of Uncertain Significance.

This study involves interpretation of variants in research participants for the purpose of population health screening. Participant phenotype was not available at the time of variant classification. Additional details can be found in publication PMID: 35346344, PMCID: PMC8962531

Labcorp Genetics (formerly Invitae), Labcorp
Classification: Uncertain significance for Tuberous sclerosis 2. Last evaluated: 2022-10-19. Review status: criteria provided, single submitter. Criteria: Invitae Variant Classification Sherloc (09022015). Collection method: clinical testing. Allele origin: germline.
Comment: In summary, the available evidence is currently insufficient to determine the role of this variant in disease. Therefore, it has been classified as a Variant of Uncertain Significance. Advanced modeling of protein sequence and biophysical properties (such as structural, functional, and spatial information, amino acid conservation, physicochemical variation, residue mobility, and thermodynamic stability) performed at Invitae indicates that this missense variant is not expected to disrupt TSC2 protein function. This variant has not been reported in the literature in individuals affected with TSC2-related conditions. This variant is not present in population databases (gnomAD no frequency). This sequence change replaces lysine, which is basic and polar, with glutamic acid, which is acidic and polar, at codon 1585 of the TSC2 protein (p.Lys1585Glu).